The following is an entry in ClinVar:

NM_001458.5(FLNC):c.3711del (p.Lys1237fs)

Gene: FLNC (filamin C; plus strand). Cytogenetic location: 7q32.1.
Variant type: Deletion.
Coding change: c.3711del on transcript NM_001458.5 (MANE Select); coding-DNA position 3711, one base deleted (A; older notation c.3711delA).
Protein change: p.Lys1237fs; shifts the reading frame from lysine 1237.
Molecular consequence: frameshift variant.
Genome position (GRCh38, 1-based): chr7:128,845,176, A deleted; the last of 3 consecutive A bases (chr7:128,845,174-128,845,176); deleting any one gives the same sequence. VCF-style (leftmost placement, unchanged base first): chr7-128845173-CA-C. GRCh37 (hg19) VCF-style: chr7-128485227-CA-C.
Other names: c.3711del, p.Lys1237fs (NM_001127487.2); short protein forms K1237fs.
Identifiers: ClinVar variation 1457584 (VCV001457584.6), dbSNP rs2128936518, ClinGen allele CA2573141731.

ClinVar aggregate classification (germline): Pathogenic (1 of 4 stars; one submission).

Conditions:
Distal myopathy with posterior leg and anterior hand involvement. Also called: WILLIAMS DISTAL MYOPATHY. Identifiers: Orphanet 63273, MedGen C3279722, MONDO:0013550, OMIM 614065.
Hypertrophic cardiomyopathy 26. Also called: Cardiomyopathy, familial hypertrophic, 26. Identifiers: Orphanet 75249, MedGen C4310749, MONDO:0014883, OMIM 617047.
Myofibrillar myopathy 5. Also called: FILAMINOPATHY, AUTOSOMAL DOMINANT; Filaminopathy (type). Identifiers: Orphanet 171445, MedGen C1836050, MONDO:0012289, OMIM 609524.

Submission:

Labcorp Genetics (formerly Invitae), Labcorp
Classification: Pathogenic for Distal myopathy with posterior leg and anterior hand involvement; Myofibrillar myopathy 5; Hypertrophic cardiomyopathy 26. Last evaluated: 2025-12-01. Review status: criteria provided, single submitter. Criteria: Invitae Variant Classification Sherloc (09022015). Collection method: clinical testing. Allele origin: germline.
Comment: This sequence change creates a premature translational stop signal (p.Lys1237Asnfs*33) in the FLNC gene. It is expected to result in an absent or disrupted protein product. Loss-of-function variants in FLNC are known to be pathogenic (PMID: 27908349). This variant is not present in population databases (gnomAD no frequency). This variant has not been reported in the literature in individuals affected with FLNC-related conditions. ClinVar contains an entry for this variant (Variation ID: 1457584). Algorithms developed to predict the effect of sequence changes on RNA splicing suggest that this variant may disrupt the consensus splice site. For these reasons, this variant has been classified as Pathogenic.

Literature cited by the submitters: PubMed 27908349.